The following is an entry in ClinVar:

ClinVar aggregate classification (germline): Uncertain significance (1 of 4 stars; one submission).

Submission:

GeneDx
Classification: Uncertain significance. Last evaluated: 2024-01-30. Review status: criteria provided, single submitter. Criteria: GeneDx Variant Classification Process June 2021. Collection method: clinical testing. Allele origin: germline. Affected: yes.
Comment: Not observed at significant frequency in large population cohorts (gnomAD); Missense variants in this gene are a common cause of disease and they are underrepresented in the general population; In silico analysis supports that this missense variant does not alter protein structure/function; Has not been previously published as pathogenic or benign to our knowledge

NM_001101.5(ACTB):c.580A>G (p.Thr194Ala)

Gene: ACTB (actin beta; minus strand). Cytogenetic location: 7p22.1.
Variant type: single nucleotide variant.
Coding change: c.580A>G on transcript NM_001101.5 (MANE Select); coding-DNA position 580, A replaced by G.
Protein change: p.Thr194Ala; replaces threonine 194 with alanine.
Molecular consequence: missense variant.
Genome position (GRCh38, 1-based): chr7:5,528,503, T>C on the plus strand (A>G on the coding strand, the complement: ACTB is on the minus strand). VCF-style: chr7-5528503-T-C. GRCh37 (hg19) VCF-style: chr7-5568134-T-C.
Other names: short protein forms T194A.
Identifiers: ClinVar variation 3368521 (VCV003368521.1).